The following is an entry in ClinVar:

NM_001105206.3(LAMA4):c.2057-176T>C

Gene: LAMA4 (laminin subunit alpha 4; minus strand). Cytogenetic location: 6q21.
Variant type: single nucleotide variant.
Coding change: c.2057-176T>C on transcript NM_001105206.3 (MANE Select); 176 bases into the intron before coding-DNA position 2057, T replaced by C.
Molecular consequence: intron variant.
Genome position (GRCh38, 1-based): chr6:112,150,803, A>G on the plus strand (T>C on the coding strand, the complement: LAMA4 is on the minus strand). VCF-style: chr6-112150803-A-G. GRCh37 (hg19) VCF-style: chr6-112472005-A-G.
Other names: c.2036-176T>C (NM_002290.5, NM_001105207.3).
Identifiers: ClinVar variation 673042 (VCV000673042.1), dbSNP rs9487828, ClinGen allele CA12277410.

ClinVar aggregate classification (germline): Benign (1 of 4 stars; one submission).

Allele frequency attached by ClinVar (database versions not stated): gnomAD 0.30924 and 0.31372; 1000 Genomes Project 0.31330; 1000 Genomes Project 30x 0.31683; TOPMed 0.32259.
gnomAD v4.1: 46,998 of 152,120 alleles (31%); highest among the groups gnomAD compares: African/African-American, 43%; 7,794 homozygotes.

Submission:

GeneDx
Classification: Benign. Last evaluated: 2018-06-15. Review status: criteria provided, single submitter. Criteria: GeneDx Variant Classification (06012015). Collection method: clinical testing. Allele origin: germline. Affected: yes.
Comment: This variant is considered likely benign or benign based on one or more of the following criteria: it is a conservative change, it occurs at a poorly conserved position in the protein, it is predicted to be benign by multiple in silico algorithms, and/or has population frequency not consistent with disease.